The following is an entry in ClinVar:

ClinVar aggregate classification (germline): Uncertain significance (1 of 4 stars; one submission).

Conditions:
Congenital sideroblastic anemia-B-cell immunodeficiency-periodic fever-developmental delay syndrome. Also called: Sideroblastic anemia with B-cell immunodeficiency, periodic fevers, and developmental delay. Identifiers: Orphanet 369861, MedGen C4015172, MONDO:0014487, OMIM 616084.

Allele frequency attached by ClinVar (database versions not stated): gnomAD exomes below 0.00001; TOPMed below 0.00001.
gnomAD v4.1: 3 of 1,578,208 alleles (0.00019%); highest among the groups gnomAD compares: Non-Finnish European, 0.00026%; no homozygotes.

Submission:

Labcorp Genetics (formerly Invitae), Labcorp
Classification: Uncertain significance for Congenital sideroblastic anemia-B-cell immunodeficiency-periodic fever-developmental delay syndrome. Last evaluated: 2021-08-30. Review status: criteria provided, single submitter. Criteria: Invitae Variant Classification Sherloc (09022015). Collection method: clinical testing. Allele origin: germline.
Comment: This sequence change replaces phenylalanine with leucine at codon 162 of the TRNT1 protein (p.Phe162Leu). The phenylalanine residue is moderately conserved and there is a small physicochemical difference between phenylalanine and leucine. This variant is not present in population databases (ExAC no frequency). This variant has not been reported in the literature in individuals affected with TRNT1-related conditions. Algorithms developed to predict the effect of missense changes on protein structure and function (SIFT, PolyPhen-2, Align-GVGD) all suggest that this variant is likely to be tolerated. In summary, the available evidence is currently insufficient to determine the role of this variant in disease. Therefore, it has been classified as a Variant of Uncertain Significance.

NM_182916.3(TRNT1):c.484T>C (p.Phe162Leu)

Gene: TRNT1 (tRNA nucleotidyl transferase 1; plus strand). Cytogenetic location: 3p26.2.
Variant type: single nucleotide variant.
Coding change: c.484T>C on transcript NM_182916.3 (MANE Select); coding-DNA position 484, T replaced by C.
Protein change: p.Phe162Leu; replaces phenylalanine 162 with leucine.
Molecular consequence: missense variant. On other transcripts: non-coding transcript variant (8).
Genome position (GRCh38, 1-based): chr3:3,144,586, T>C. VCF-style: chr3-3144586-T-C. GRCh37 (hg19) VCF-style: chr3-3186270-T-C.
Other names: c.484T>C, p.Phe162Leu (NM_001302946.2, NM_001367321.1, NM_001367322.1 and 1 more transcripts); short protein forms F162L.
Identifiers: ClinVar variation 1488404 (VCV001488404.6), dbSNP rs965848707, ClinGen allele CA68729035.
Genomic context (GRCh38, chr3:3,144,586, plus strand): 5'-TGTTTTCAAATTCTTATTTGCCAATAGTGATTTTTCTCCCTCCTTTTCTAATGAATAGGT[T>C]TTGATGGCACTTTATTTGACTACTTTAATGGTTATGAAGATTTAAAAAATAAGAAAGTTA-3'
Protein context (NP_886552.3, residues 152-172): DLTINSMFLG[Phe162Leu]DGTLFDYFNG